The following is an entry in ClinVar:

NM_001007527.2(LMBRD2):c.1832C>G (p.Thr611Ser)

Gene: LMBRD2 (LMBR1 domain containing 2; minus strand). Cytogenetic location: 5p13.2.
Variant type: single nucleotide variant.
Coding change: c.1832C>G on transcript NM_001007527.2 (MANE Select); coding-DNA position 1832, C replaced by G.
Protein change: p.Thr611Ser; replaces threonine 611 with serine.
Molecular consequence: missense variant.
Genome position (GRCh38, 1-based): chr5:36,108,599, G>C on the plus strand (C>G on the coding strand, the complement: LMBRD2 is on the minus strand). VCF-style: chr5-36108599-G-C. GRCh37 (hg19) VCF-style: chr5-36108701-G-C.
Other names: short protein forms T611S.
Identifiers: ClinVar variation 3391369 (VCV003391369.1).

ClinVar aggregate classification (germline): Uncertain significance (1 of 4 stars; one submission).

Conditions:
Developmental delay with variable neurologic and brain abnormalities (MLHNS). Also called: MALHOTRA NEURODEVELOPMENTAL SYNDROME. Identifiers: MedGen C5562060, MONDO:0859218, OMIM 619694.

Submission:

Neuberg Centre For Genomic Medicine, NCGM
Classification: Uncertain significance for Developmental delay with variable neurologic and brain abnormalities. Last evaluated: 2023-07-22. Review status: criteria provided, single submitter. Criteria: ACMG Guidelines, 2015. Collection method: clinical testing. Allele origin: germline. Inheritance: Autosomal dominant inheritance. Affected: yes.
Comment: The missense variant c.1832C>G p.Thr611Ser in LMBRD2 gene has not been reported previously as a pathogenic variant nor as a benign variant, to our knowledge. The observed variant is absent in gnomAD exomes database. This variant has not been submitted to the ClinVar database. Multiple lines of computational evidence Polyphen - benign, SIFT - tolerated and MutationTaster - polymophism predicts no evidence on protein structure and function for this variant. The amino acid change p.Thr611Ser in LMBRD2 is predicted as conserved by GERP++ and PhyloP across 100 vertebrates. The amino acid Thr at position 611 is changed to a Ser changing protein sequence and it might alter its composition and physico-chemical properties. For these reasons, this variant has been classified as Uncertain Significance VUS.